The following is an entry in ClinVar:

ClinVar aggregate classification (germline): Uncertain significance (1 of 4 stars; one submission).

Allele frequency attached by ClinVar (database versions not stated): gnomAD exomes 0.00005 and 0.00013; ExAC 0.00016; TOPMed 0.00032; 1000 Genomes Project 0.00040; gnomAD 0.00041 and 0.00044; 1000 Genomes Project 30x 0.00047; ESP Exome Variant Server 0.00062.
gnomAD v4.1: 136 of 1,614,058 alleles (0.0084%); highest among the groups gnomAD compares: African/African-American, 0.15%; 1 homozygote.

Submission:

Labcorp Genetics (formerly Invitae), Labcorp
Classification: Uncertain significance. Last evaluated: 2022-05-10. Review status: criteria provided, single submitter. Criteria: Invitae Variant Classification Sherloc (09022015). Collection method: clinical testing. Allele origin: germline.
Comment: This sequence change replaces glutamine, which is neutral and polar, with arginine, which is basic and polar, at codon 335 of the SERPINF1 protein (p.Gln335Arg). This variant is present in population databases (rs138875154, gnomAD 0.2%). This variant has not been reported in the literature in individuals affected with SERPINF1-related conditions. Algorithms developed to predict the effect of missense changes on protein structure and function are either unavailable or do not agree on the potential impact of this missense change (SIFT: "Not Available"; PolyPhen-2: "Benign"; Align-GVGD: "Not Available"). In summary, the available evidence is currently insufficient to determine the role of this variant in disease. Therefore, it has been classified as a Variant of Uncertain Significance.

NM_002615.7(SERPINF1):c.1004A>G (p.Gln335Arg)

Gene: SERPINF1 (serpin family F member 1; plus strand). Cytogenetic location: 17p13.3.
Variant type: single nucleotide variant.
Coding change: c.1004A>G on transcript NM_002615.7 (MANE Select); coding-DNA position 1004, A replaced by G.
Protein change: p.Gln335Arg; replaces glutamine 335 with arginine.
Molecular consequence: missense variant.
Genome position (GRCh38, 1-based): chr17:1,777,193, A>G. VCF-style: chr17-1777193-A-G. GRCh37 (hg19) VCF-style: chr17-1680487-A-G.
Other names: c.1004A>G, p.Gln335Arg (NM_001329903.2); c.443A>G, p.Gln148Arg (NM_001329904.2, NM_001329905.2); short protein forms Q148R, Q335R.
Identifiers: ClinVar variation 1440857 (VCV001440857.3), dbSNP rs138875154, ClinGen allele CA8274933.